The following is an entry in ClinVar:

NM_000553.6(WRN):c.3460-7T>A

Gene: WRN (WRN RecQ like helicase; plus strand). Cytogenetic location: 8p12.
Variant type: single nucleotide variant.
Coding change: c.3460-7T>A on transcript NM_000553.6 (MANE Select); 7 bases into the intron before coding-DNA position 3460, T replaced by A.
Molecular consequence: intron variant.
Genome position (GRCh38, 1-based): chr8:31,147,357, T>A. VCF-style: chr8-31147357-T-A. GRCh37 (hg19) VCF-style: chr8-31004873-T-A.
Identifiers: ClinVar variation 647377 (VCV000647377.5), dbSNP rs1334937558, ClinGen allele CA4705085.
Genomic context (GRCh38, chr8:31,147,357, plus strand): 5'-CTAAAAATAAAGGACTAGATCTTTTAAGTACACTTTAAAAAGTGTTGTTTCTTTGTTTTT[T>A]GTTCAGATTGTGTTATATGGCAAATTGGTAGAAGCTAGGCAGAAACATGCCAATAAAATG-3'

ClinVar aggregate classification (germline): Conflicting classifications of pathogenicity. Review status: criteria provided, conflicting classifications (1 of 4 stars). 2 submissions from 2 submitters: Likely pathogenic (1); Uncertain significance (1). Last evaluated 2024-04-29.

Conditions:
Werner syndrome (WRN). Identifiers: Orphanet 902, MedGen C0043119, MONDO:0010196, OMIM 277700.

Allele frequency attached by ClinVar (database versions not stated): ExAC 0.00001; gnomAD exomes 0.00001 and 0.00002; TOPMed 0.00002.
gnomAD v4.1: 4 of 1,613,494 alleles (0.00025%); highest among the groups gnomAD compares: East Asian, 0.0089%; no homozygotes.

Submissions (2):

Labcorp Genetics (formerly Invitae), Labcorp
Classification: Uncertain significance for Werner syndrome. Last evaluated: 2024-04-29. Review status: criteria provided, single submitter. Criteria: Invitae Variant Classification Sherloc (09022015). Collection method: clinical testing. Allele origin: germline.
Comment: This sequence change falls in intron 29 of the WRN gene. It does not directly change the encoded amino acid sequence of the WRN protein. RNA analysis indicates that this variant induces altered splicing and may result in an absent or disrupted protein product. This variant is present in population databases (no rsID available, gnomAD 0.02%). This variant has been observed in individual(s) with clinical features of Werner syndrome (PMID: 9225981). ClinVar contains an entry for this variant (Variation ID: 647377). Studies have shown that this variant results in altered splicing and introduces a premature termination codon (PMID: 9225981). The resulting mRNA is expected to undergo nonsense-mediated decay. In summary, the available evidence is currently insufficient to determine the role of this variant in disease. Therefore, it has been classified as a Variant of Uncertain Significance.

Baylor Genetics
Classification: Likely pathogenic for Werner syndrome. Last evaluated: 2022-05-01. Review status: criteria provided, single submitter. Criteria: ACMG Guidelines, 2015. Collection method: clinical testing. Allele origin: unknown.

Literature cited by the submitters: PubMed 9225981 (cited by Labcorp Genetics (formerly Invitae), Labcorp).